The following continues an entry in ClinVar:

NM_000059.4(BRCA2):c.5492T>C (p.Ile1831Thr)

Gene: BRCA2. ClinVar aggregate classification (germline): Conflicting classifications of pathogenicity. Uncertain significance (12); Likely benign (2).

Submissions 10 to 16 of 16:

Department of Pathology and Laboratory Medicine, Sinai Health System
Classification: Uncertain significance for BRCA2-related cancer predisposition. Last evaluated: 2022-11-16. Review status: criteria provided, single submitter. Criteria: ACMG Guidelines, 2015. Collection method: clinical testing. Allele origin: germline. Affected: no.

PreventionGenetics, part of Exact Sciences
Classification: Uncertain significance for BRCA2-related condition. Last evaluated: 2022-10-05. Review status: criteria provided, single submitter. Criteria: ACMG Guidelines, 2015. Collection method: clinical testing. Allele origin: germline.
Comment: The BRCA2 c.5492T>C variant is predicted to result in the amino acid substitution p.Ile1831Thr. This variant has been reported in individuals with breast and/or ovarian cancer (Azzollini et al. 2016. PubMed ID: 27062684. Table S2; Santonocito et al. 2020. PubMed ID: 32438681). This variant is reported in 0.00088% of alleles in individuals of European (Non-Finnish) descent in gnomAD. This variant is interpreted as uncertain in ClinVar. At this time, the clinical significance of this variant is uncertain due to the absence of conclusive functional and genetic evidence.

Institute for Clinical Genetics, University Hospital TU Dresden, University Hospital TU Dresden
Classification: Uncertain significance. Last evaluated: 2021-11-03. Review status: criteria provided, single submitter. Criteria: ACMG Guidelines, 2015. Collection method: clinical testing. Allele origin: germline.

Women's Health and Genetics/Laboratory Corporation of America, LabCorp
Classification: Uncertain significance. Last evaluated: 2019-07-18. Review status: criteria provided, single submitter. Criteria: LabCorp Variant Classification Summary - May 2015. Collection method: clinical testing. Allele origin: germline.
Comment: Variant summary: BRCA2 c.5492T>C (p.Ile1831Thr) results in a non-conservative amino acid change in the encoded protein sequence. Four of five in-silico tools predict a benign effect of the variant on protein function. The variant allele was found at a frequency of 4e-06 in 250674 control chromosomes. The available data on variant occurrences in the general population are insufficient to allow any conclusion about variant significance. c.5492T>C has been reported in the literature in individuals affected with Hereditary Breast and Ovarian Cancer (Azzollini_2016). These report(s) do not provide unequivocal conclusions about association of the variant with Hereditary Breast and Ovarian Cancer. To our knowledge, no experimental evidence demonstrating an impact on protein function has been reported. Five clinical diagnostic laboratories have submitted clinical-significance assessments for this variant to ClinVar after 2014 without evidence for independent evaluation. All laboratories classified the variant as uncertain significance. Based on the evidence outlined above, the variant was classified as uncertain significance.

Mendelics
Classification: Uncertain significance for Breast-ovarian cancer, familial, susceptibility to, 2. Last evaluated: 2019-05-28. Review status: criteria provided, single submitter. Criteria: Mendelics Assertion Criteria 2017. Collection method: clinical testing. Allele origin: unknown.

Department of Medical and Surgical Sciences, University of Bologna
Classification: Likely benign for Breast-ovarian cancer, familial, susceptibility to, 2. Last evaluated: 2023-09-01. Review status: no assertion criteria provided. Collection method: clinical testing. Allele origin: germline. Affected: yes. Not counted in ClinVar's aggregate classification.
Comment: PM2(Supporting)+BP1(Strong)+BP5(Supporting) according to ACMG/AMP classification guidelines specified for BRCA1 & BRCA2 (Classification Criteria V1.0.0 2023-09-08) (PMID: 38160042)

Counsyl
Classification: Uncertain significance for Breast-ovarian cancer, familial, susceptibility to, 2. Last evaluated: 2016-04-13. Review status: no assertion criteria provided. Collection method: clinical testing. Allele origin: unknown. Not counted in ClinVar's aggregate classification.

Literature cited by the submitters: PubMed 27062684 (cited by 7 submitters); PubMed 32438681 (cited by 5 submitters); PubMed 33127389 (cited by Labcorp Genetics (formerly Invitae), Labcorp and Quest Diagnostics Nichols Institute San Juan Capistrano); PubMed 34178674 (cited by Labcorp Genetics (formerly Invitae), Labcorp and Quest Diagnostics Nichols Institute San Juan Capistrano); PubMed 35150867 (cited by Labcorp Genetics (formerly Invitae), Labcorp and Color Diagnostics, LLC DBA Color Health); PubMed 31911673 (cited by Quest Diagnostics Nichols Institute San Juan Capistrano); PubMed 31409081 (cited by Color Diagnostics, LLC DBA Color Health).